The following is an entry in ClinVar:

NM_015662.3(IFT172):c.2809A>G (p.Lys937Glu)

Genes: IFT172 (intraflagellar transport 172; minus strand), LOC126806174 (CDK7 strongly-dependent group 2 enhancer GRCh37_chr2:27681686-27682885; plus strand). Cytogenetic location: 2p23.3.
Variant type: single nucleotide variant.
Coding change: c.2809A>G on transcript NM_015662.3 (MANE Select); coding-DNA position 2809, A replaced by G.
Protein change: p.Lys937Glu; replaces lysine 937 with glutamic acid.
Molecular consequence: missense variant.
Genome position (GRCh38, 1-based): chr2:27,458,847, T>C on the plus strand (A>G on the coding strand, the complement: IFT172 is on the minus strand). VCF-style: chr2-27458847-T-C. GRCh37 (hg19) VCF-style: chr2-27681714-T-C.
Other names: short protein forms K937E.
Identifiers: ClinVar variation 1349874 (VCV001349874.7), dbSNP rs1000172880, ClinGen allele CA44494370.

ClinVar aggregate classification (germline): Uncertain significance (1 of 4 stars; one submission).

Conditions:
Retinitis pigmentosa 71 (RP71). Identifiers: Orphanet 791, MedGen C4225342, MONDO:0014618, OMIM 616394.
Short-rib thoracic dysplasia 10 with or without polydactyly (SRTD10). Identifiers: Orphanet 474, MedGen C3810175, MONDO:0014284, OMIM 615630.

Allele frequency attached by ClinVar (database versions not stated): TOPMed below 0.00001.

Submission:

Labcorp Genetics (formerly Invitae), Labcorp
Classification: Uncertain significance for Retinitis pigmentosa 71; Short-rib thoracic dysplasia 10 with or without polydactyly. Last evaluated: 2022-07-26. Review status: criteria provided, single submitter. Criteria: Invitae Variant Classification Sherloc (09022015). Collection method: clinical testing. Allele origin: germline.
Comment: This variant has not been reported in the literature in individuals affected with IFT172-related conditions. In summary, the available evidence is currently insufficient to determine the role of this variant in disease. Therefore, it has been classified as a Variant of Uncertain Significance. Algorithms developed to predict the effect of missense changes on protein structure and function (SIFT, PolyPhen-2, Align-GVGD) all suggest that this variant is likely to be tolerated. ClinVar contains an entry for this variant (Variation ID: 1349874). This variant is not present in population databases (gnomAD no frequency). This sequence change replaces lysine, which is basic and polar, with glutamic acid, which is acidic and polar, at codon 937 of the IFT172 protein (p.Lys937Glu).